The following is an entry in ClinVar:

ClinVar aggregate classification (germline): Uncertain significance. Review status: criteria provided, multiple submitters, no conflicts (2 of 4 stars). 3 submissions from 3 submitters: Uncertain significance (2). 1 of the submissions does not count toward it. Last evaluated 2022-02-01.

Conditions:
Polycystic kidney disease 4 (PKD4). Also called: POLYCYSTIC KIDNEY AND HEPATIC DISEASE 1; POLYCYSTIC KIDNEY DISEASE, INFANTILE, TYPE I; POLYCYSTIC KIDNEY DISEASE 4 WITH OR WITHOUT POLYCYSTIC LIVER DISEASE; Autosomal Recessive Polycystic Kidney Disease – PKHD1; PKD3. Identifiers: MedGen C4540575, MONDO:0033004, OMIM 263200.
Autosomal recessive polycystic kidney disease (ARPKD). Also called: AR polycystic kidney disease. Identifiers: Orphanet 731, Orphanet 8378, MedGen C0085548, MeSH D017044, MONDO:0009889.

Allele frequency attached by ClinVar (database versions not stated): gnomAD exomes below 0.00001; TOPMed 0.00001.
gnomAD v4.1: 1 of 1,613,756 alleles (0.000062%); highest among the groups gnomAD compares: Non-Finnish European, 0.000085%; no homozygotes.

Submissions (3):

Fulgent Genetics
Classification: Uncertain significance for Polycystic kidney disease 4. Last evaluated: 2022-02-01. Review status: criteria provided, single submitter. Criteria: ACMG Guidelines, 2015. Collection method: clinical testing. Allele origin: unknown.

Labcorp Genetics (formerly Invitae), Labcorp
Classification: Uncertain significance for Autosomal recessive polycystic kidney disease. Last evaluated: 2020-01-19. Review status: criteria provided, single submitter. Criteria: Invitae Variant Classification Sherloc (09022015). Collection method: clinical testing. Allele origin: germline.
Comment: Algorithms developed to predict the effect of missense changes on protein structure and function (SIFT, PolyPhen-2, Align-GVGD) all suggest that this variant is likely to be tolerated, but these predictions have not been confirmed by published functional studies and their clinical significance is uncertain. This sequence change replaces lysine with glutamic acid at codon 2895 of the PKHD1 protein (p.Lys2895Glu). The lysine residue is moderately conserved and there is a small physicochemical difference between lysine and glutamic acid. This variant is not present in population databases (ExAC no frequency). This variant has not been reported in the literature in individuals with PKHD1-related conditions. In summary, the available evidence is currently insufficient to determine the role of this variant in disease. Therefore, it has been classified as a Variant of Uncertain Significance.

Natera, Inc.
Classification: Uncertain significance for Autosomal recessive polycystic kidney disease. Last evaluated: 2020-11-02. Review status: no assertion criteria provided. Collection method: clinical testing. Allele origin: germline. Not counted in ClinVar's aggregate classification.

NM_138694.4(PKHD1):c.8683A>G (p.Lys2895Glu)

Gene: PKHD1 (PKHD1 ciliary IPT domain containing fibrocystin/polyductin; minus strand). Cytogenetic location: 6p12.3.
Variant type: single nucleotide variant.
Coding change: c.8683A>G on transcript NM_138694.4 (MANE Select); coding-DNA position 8683, A replaced by G.
Protein change: p.Lys2895Glu; replaces lysine 2895 with glutamic acid.
Molecular consequence: missense variant.
Genome position (GRCh38, 1-based): chr6:51,754,898, T>C on the plus strand (A>G on the coding strand, the complement: PKHD1 is on the minus strand). VCF-style: chr6-51754898-T-C. GRCh37 (hg19) VCF-style: chr6-51619696-T-C.
Other names: c.8683A>G, p.Lys2895Glu (NM_170724.3); short protein forms K2895E.
Identifiers: ClinVar variation 1035671 (VCV001035671.18), dbSNP rs1786704837, ClinGen allele CA364428400.
Genomic context (GRCh38, chr6:51,754,898, plus strand): 5'-CTTTCACAGTGAGGACCTCTGCTTCATGAGGCTCATAAGAAGAGGAGCTAAGGACTATTT[T>C]GTCATGGGGGCGCCAATCCACTGCATCTTCTACTATAATTCTGTAACAGCATAACAATGG-3'
Protein context (NP_619639.3, residues 2885-2905): EDAVDWRPHD[Lys2895Glu]IVLSSSSYEP